The following is an entry in ClinVar:

NM_000291.4(PGK1):c.1210G>A (p.Glu404Lys)

Gene: PGK1 (phosphoglycerate kinase 1; plus strand). Cytogenetic location: Xq21.1.
Variant type: single nucleotide variant.
Coding change: c.1210G>A on transcript NM_000291.4 (MANE Select); coding-DNA position 1210, G replaced by A.
Protein change: p.Glu404Lys; replaces glutamic acid 404 with lysine.
Molecular consequence: missense variant.
Genome position (GRCh38, 1-based): chrX:78,125,422, G>A. VCF-style: chrX-78125422-G-A. GRCh37 (hg19) VCF-style: chrX-77380919-G-A.
Other names: short protein forms E404K.
Identifiers: ClinVar variation 2506727 (VCV002506727.1), dbSNP rs2522507005, ClinGen allele CA413718742.
Genomic context (GRCh38, chrX:78,125,422, plus strand): 5'-AACACGGAGGATAAAGTCAGCCATGTGAGCACTGGGGGTGGTGCCAGTTTGGAGCTCCTG[G>A]AAGGTGAGGGTCTTCTGTTTTTTGGCTTGTTTGGGATAAGGGTGGACTGTGCAGTGAGAG-3'
Protein context (NP_000282.1, residues 394-414): TGGGASLELL[Glu404Lys]GKVLPGVDAL

ClinVar aggregate classification (germline): Uncertain significance (1 of 4 stars; one submission).

Submission:

GeneDx
Classification: Uncertain significance. Last evaluated: 2022-12-22. Review status: criteria provided, single submitter. Criteria: GeneDx Variant Classification Process June 2021. Collection method: clinical testing. Allele origin: germline. Affected: yes.
Comment: Has not been previously published as pathogenic or benign to our knowledge; Not observed at significant frequency in large population cohorts (gnomAD); In silico analysis supports that this missense variant has a deleterious effect on protein structure/function